The following is an entry in ClinVar:

NM_002470.4(MYH3):c.3993G>A (p.Ala1331=)

Gene: MYH3 (myosin heavy chain 3; minus strand). Cytogenetic location: 17p13.1.
Variant type: single nucleotide variant.
Coding change: c.3993G>A on transcript NM_002470.4 (MANE Select); coding-DNA position 3993, G replaced by A.
Protein change: p.Ala1331=; no amino-acid change (alanine 1331 retained).
Molecular consequence: synonymous variant.
Genome position (GRCh38, 1-based): chr17:10,635,546, C>T on the plus strand (G>A on the coding strand, the complement: MYH3 is on the minus strand). VCF-style: chr17-10635546-C-T. GRCh37 (hg19) VCF-style: chr17-10538863-C-T.
Identifiers: ClinVar variation 705203 (VCV000705203.11), dbSNP rs137974114, ClinGen allele CA8392336.

ClinVar aggregate classification (germline): Conflicting classifications of pathogenicity. Review status: criteria provided, conflicting classifications (1 of 4 stars). 3 submissions from 2 submitters: Uncertain significance (1); Benign (2). Last evaluated 2025-12-17.

Conditions:
Distal arthrogryposis type 2B1 (DA2B1). Also called: Arthrogryposis multiplex congenita distal type II with craniofacial abnormalities. Identifiers: Orphanet 1147, MedGen C5193014, MONDO:0020820, OMIM 601680.
Freeman-Sheldon syndrome (DA2A). Also called: WHISTLING FACE-WINDMILL VANE HAND SYNDROME; Arthrogryposis, distal, type 2A (Freeman-Sheldon); CRANIOCARPOTARSAL DYSPLASIA; CRANIOCARPOTARSAL DYSTROPHY. Identifiers: Orphanet 2053, MedGen C0265224, MONDO:0008675, OMIM 193700.

Allele frequency attached by ClinVar (database versions not stated): ESP Exome Variant Server 0.00008; gnomAD 0.00016 and 0.00017; gnomAD exomes 0.00016; TOPMed 0.00019; ExAC 0.00029.
gnomAD v4.1: 272 of 1,614,074 alleles (0.017%); highest among the groups gnomAD compares: Admixed American, 0.027%; no homozygotes.

Submissions (3):

Labcorp Genetics (formerly Invitae), Labcorp
Classification: Benign. Last evaluated: 2025-12-17. Review status: criteria provided, single submitter. Criteria: Invitae Variant Classification Sherloc (09022015). Collection method: clinical testing. Allele origin: germline.

Illumina Laboratory Services, Illumina
Classification: Uncertain significance for Distal arthrogryposis type 2B1. Last evaluated: 2018-01-12. Review status: criteria provided, single submitter. Criteria: ICSL Variant Classification Criteria 13 December 2019. Collection method: clinical testing. Allele origin: germline.

Illumina Laboratory Services, Illumina
Classification: Benign for Freeman-Sheldon syndrome. Last evaluated: 2018-01-12. Review status: criteria provided, single submitter. Criteria: ICSL Variant Classification Criteria 13 December 2019. Collection method: clinical testing. Allele origin: germline.
Comment: This variant was observed in the ICSL laboratory as part of a predisposition screen in an ostensibly healthy population. It had not been previously curated by ICSL or reported in the Human Gene Mutation Database (HGMD: prior to June 1st, 2018), and was therefore a candidate for classification through an automated scoring system. Utilizing variant allele frequency, disease prevalence and penetrance estimates, and inheritance mode, an automated score was calculated to assess if this variant is too frequent to cause the disease. Based on the score and internal cut-off values, a variant classified as benign is not then subjected to further curation. The score for this variant resulted in a classification of benign for this disease.